The following is an entry in ClinVar:

ClinVar aggregate classification (germline): Uncertain significance (1 of 4 stars; one submission).

Submission:

CeGaT Center for Human Genetics Tuebingen
Classification: Uncertain significance. Last evaluated: 2024-06-01. Review status: criteria provided, single submitter. Criteria: CeGaT Center For Human Genetics Tuebingen Variant Classification Criteria Version 2. Collection method: clinical testing. Allele origin: germline. Affected: yes. Observed: 1 variant allele.
Comment: PKD1: PM2, BP4

NM_001009944.3(PKD1):c.6507G>C (p.Leu2169Phe)

Gene: PKD1 (polycystin 1, transient receptor potential channel interacting; minus strand). Cytogenetic location: 16p13.3.
Variant type: single nucleotide variant.
Coding change: c.6507G>C on transcript NM_001009944.3 (MANE Select); coding-DNA position 6507, G replaced by C.
Protein change: p.Leu2169Phe; replaces leucine 2169 with phenylalanine.
Molecular consequence: missense variant.
Genome position (GRCh38, 1-based): chr16:2,108,660, C>G on the plus strand (G>C on the coding strand, the complement: PKD1 is on the minus strand). VCF-style: chr16-2108660-C-G. GRCh37 (hg19) VCF-style: chr16-2158661-C-G.
Other names: c.6507G>C, p.Leu2169Phe (NM_000296.4); short protein forms L2169F.
Identifiers: ClinVar variation 3251224 (VCV003251224.18), dbSNP rs1342281726.